The following is an entry in ClinVar:

NC_000005.9:g.(112103088_112111325)_(112111435_112116486)del

Gene: APC (APC regulator of Wnt signaling pathway; plus strand). Cytogenetic location: 5q22.2.
Variant type: Deletion.
Identifiers: ClinVar variation 1704635 (VCV001704635.1).

ClinVar aggregate classification (germline): Pathogenic (1 of 4 stars; one submission).

Conditions:
Familial multiple polyposis syndrome (FAP). Also called: Familial adenomatous polyposis; Familial intestinal polyposis; Classic familial adenomatous polyposis; Familial Adenomatous Polyposis (FAP); Familial polyposis. Identifiers: Orphanet 733, MedGen C0032580, MONDO:0021055. Disease mechanism: loss of function.

Submission:

Women's Health and Genetics/Laboratory Corporation of America, LabCorp
Classification: Pathogenic for Familial multiple polyposis syndrome. Last evaluated: 2022-07-11. Review status: criteria provided, single submitter. Criteria: LabCorp Variant Classification Summary - May 2015. Collection method: clinical testing. Allele origin: germline.
Comment: Variant summary: The variant identified by MLPA or other technology involves the deletion of exon 5 in the APC gene. A presumed nomenclature of c.(422+1_423-1)_(531+1_532-1)del has been designated for the purposes of this classification. Although exact breakpoints of this deletion are not known, it is expected to result in a frameshift change in the APC gene, a known mechanism of disease. The variant was absent in 21694 control chromosomes (gnomAD SV). c.(422+1_423-1)_(531+1_532-1)del has been reported in the literature in individuals affected with Familial Adenomatous Polyposis (Soravia_1998, Gomez-Fernandez_2009). These data indicate that the variant is likely to be associated with disease. To our knowledge, no experimental evidence demonstrating an impact on protein function has been reported. One clinical diagnostic laboratory has submitted clinical-significance assessments for this variant to ClinVar after 2014 without evidence for independent evaluation and classified the variant as pathogenic. Based on the evidence outlined above, the variant was classified as pathogenic.

Literature cited by the submitters: PubMed 19531215; PubMed 9585611.